The following is an entry in ClinVar:

NM_145294.5(WDR90):c.5154C>T (p.Asn1718=)

Gene: WDR90 (WD repeat domain 90; plus strand). Cytogenetic location: 16p13.3.
Variant type: single nucleotide variant.
Coding change: c.5154C>T on transcript NM_145294.5 (MANE Select); coding-DNA position 5154, C replaced by T.
Protein change: p.Asn1718=; no amino-acid change (asparagine 1718 retained).
Molecular consequence: synonymous variant.
Genome position (GRCh38, 1-based): chr16:667,496, C>T. VCF-style: chr16-667496-C-T. GRCh37 (hg19) VCF-style: chr16-717496-C-T.
Identifiers: ClinVar variation 2645842 (VCV002645842.24), dbSNP rs76093712, ClinGen allele CA7784739.

ClinVar aggregate classification (germline): Likely benign (1 of 4 stars; one submission).

Allele frequency attached by ClinVar (database versions not stated): TOPMed 0.00138; ESP Exome Variant Server 0.00141; 1000 Genomes Project 30x 0.00219; 1000 Genomes Project 0.00220.
gnomAD v4.1: 463 of 1,612,066 alleles (0.029%); highest among the groups gnomAD compares: African/African-American, 0.41%; no homozygotes.

Submission:

CeGaT Center for Human Genetics Tuebingen
Classification: Likely benign. Last evaluated: 2023-04-01. Review status: criteria provided, single submitter. Criteria: CeGaT Center For Human Genetics Tuebingen Variant Classification Criteria Version 2. Collection method: clinical testing. Allele origin: germline. Affected: yes. Observed: 1 variant allele.
Comment: WDR90: BP4, BP7